The following is an entry in ClinVar:

ClinVar aggregate classification (germline): Uncertain significance (1 of 4 stars; one submission).

Conditions:
Inborn genetic diseases. Identifiers: MedGen C0950123, MeSH D030342.

Submission:

Ambry Genetics
Classification: Uncertain significance for Inborn genetic diseases. Last evaluated: 2022-04-24. Review status: criteria provided, single submitter. Criteria: Ambry Variant Classification Scheme 2023. Collection method: clinical testing. Allele origin: germline.
Comment: The p.G92A variant (also known as c.275G>C), located in coding exon 3 of the MDH2 gene, results from a G to C substitution at nucleotide position 275. The glycine at codon 92 is replaced by alanine, an amino acid with similar properties. This amino acid position is conserved. In addition, this alteration is predicted to be deleterious by in silico analysis. Since supporting evidence is limited at this time, the clinical significance of this alteration remains unclear.

NM_005918.4(MDH2):c.275G>C (p.Gly92Ala)

Gene: MDH2 (malate dehydrogenase 2; plus strand). Cytogenetic location: 7q11.23.
Variant type: single nucleotide variant.
Coding change: c.275G>C on transcript NM_005918.4 (MANE Select); coding-DNA position 275, G replaced by C.
Protein change: p.Gly92Ala; replaces glycine 92 with alanine.
Molecular consequence: missense variant. On other transcripts: 5 prime UTR variant (1).
Genome position (GRCh38, 1-based): chr7:76,057,449, G>C. VCF-style: chr7-76057449-G-C. GRCh37 (hg19) VCF-style: chr7-75686767-G-C.
Other names: c.275G>C, p.Gly92Ala (NM_001282403.2); c.-47G>C (NM_001282404.2); short protein forms G92A.
Identifiers: ClinVar variation 1795668 (VCV001795668.2), dbSNP rs2535857883, ClinGen allele CA367763418.